The following is an entry in ClinVar:

ClinVar aggregate classification (germline): Benign/Likely benign. Review status: criteria provided, multiple submitters, no conflicts (2 of 4 stars). 2 submissions from 2 submitters: Benign (1); Likely benign (1). Last evaluated 2026-01-20.

Conditions:
Ataxia-telangiectasia syndrome (AT). Also called: LOUIS-BAR SYNDROME; Cerebello-oculocutaneous telangiectasia; Immunodeficiency with ataxia telangiectasia; Ataxia telangiectasia (A-T); Ataxia-telangiectasia, complementation group D; AT, COMPLEMENTATION GROUP C. Identifiers: Orphanet 100, MedGen C0004135, MONDO:0008840, OMIM 208900.
Familial cancer of breast. Also called: BREAST CANCER, FAMILIAL; Hereditary breast cancer; hereditary breast carcinoma. Identifiers: Orphanet 227535, MedGen C0346153, MONDO:0016419, OMIM 114480. Disease mechanism: loss of function.

Submissions (2):

Labcorp Genetics (formerly Invitae), Labcorp
Classification: Benign for Ataxia-telangiectasia syndrome. Last evaluated: 2026-01-20. Review status: criteria provided, single submitter. Criteria: Invitae Variant Classification Sherloc (09022015). Collection method: clinical testing. Allele origin: germline.

Myriad Genetics, Inc.
Classification: Likely benign for Familial cancer of breast. Last evaluated: 2024-06-06. Review status: criteria provided, single submitter. Criteria: Myriad Autosomal Dominant, Autosomal Recessive and X-Linked Classification Criteria (2023). Collection method: clinical testing. Allele origin: unknown.
Comment: This variant is considered likely benign. This variant is intronic and is not expected to impact mRNA splicing.

NM_000051.4(ATM):c.6453-9del

Genes: ATM (ATM serine/threonine kinase; plus strand), C11orf65 (chromosome 11 open reading frame 65; minus strand). Cytogenetic location: 11q22.3.
Variant type: Deletion.
Coding change: c.6453-9del on transcript NM_000051.4 (MANE Select); 9 bases into the intron before coding-DNA position 6453, one base deleted (T; older notation c.6453-9delT).
Molecular consequence: intron variant.
Genome position (GRCh38, 1-based): chr11:108,321,292, T deleted; the last of 6 consecutive T bases (chr11:108,321,287-108,321,292); deleting any one gives the same sequence. VCF-style (leftmost placement, unchanged base first): chr11-108321286-CT-C. GRCh37 (hg19) VCF-style: chr11-108192013-CT-C.
Other names: c.6453-9del (NM_001351834.2); c.641-12216del (NM_001330368.2); c.*39-12216del (NM_001351110.2).
Identifiers: ClinVar variation 2740954 (VCV002740954.4), dbSNP rs2136237859, ClinGen allele CA2697558930.
Genomic context (GRCh38, chr11:108,321,286, plus strand): 5'-ACAACAAATTTAAACATTTATTTCCCTGAAAACCTCTTCTTTATTTTCAGAGTGTCTTTT[CT>C]TTTTTGCTACTAGAGTAAAAGAAGTGGAAGAGATGTGTAAGCGCAGCCTTGAGTCTGTGT-3'